The following is an entry in ClinVar:

ClinVar aggregate classification (germline): Uncertain significance (1 of 4 stars; one submission).

Conditions:
Immunodeficiency, common variable, 7. Identifiers: Orphanet 1572, Orphanet 696894, MedGen C3542922, MONDO:0013862, OMIM 614699.

Allele frequency attached by ClinVar (database versions not stated): gnomAD exomes 0.00001; TOPMed below 0.00001; gnomAD 0.00001.
gnomAD v4.1: 12 of 1,613,096 alleles (0.00074%); highest among the groups gnomAD compares: Non-Finnish European, 0.001%; no homozygotes.

Submission:

Labcorp Genetics (formerly Invitae), Labcorp
Classification: Uncertain significance for Immunodeficiency, common variable, 7. Last evaluated: 2020-12-29. Review status: criteria provided, single submitter. Criteria: Invitae Variant Classification Sherloc (09022015). Collection method: clinical testing. Allele origin: germline.
Comment: This sequence change replaces arginine with cysteine at codon 1030 of the CR2 protein (p.Arg1030Cys). The arginine residue is moderately conserved and there is a large physicochemical difference between arginine and cysteine. In summary, the available evidence is currently insufficient to determine the role of this variant in disease. Therefore, it has been classified as a Variant of Uncertain Significance. Algorithms developed to predict the effect of sequence changes on RNA splicing suggest that this variant may disrupt the consensus splice site, but this prediction has not been confirmed by published transcriptional studies. Algorithms developed to predict the effect of missense changes on protein structure and function are either unavailable or do not agree on the potential impact of this missense change (SIFT: "Tolerated"; PolyPhen-2: "Possibly Damaging"; Align-GVGD: "Class C15"). This variant has not been reported in the literature in individuals with CR2-related conditions. This variant is not present in population databases (ExAC no frequency).

NM_001006658.3(CR2):c.3088C>T (p.Arg1030Cys)

Gene: CR2 (complement C3d receptor 2; plus strand). Cytogenetic location: 1q32.2.
Variant type: single nucleotide variant.
Coding change: c.3088C>T on transcript NM_001006658.3 (MANE Select); coding-DNA position 3088, C replaced by T.
Protein change: p.Arg1030Cys; replaces arginine 1030 with cysteine.
Molecular consequence: missense variant.
Genome position (GRCh38, 1-based): chr1:207,478,070, C>T. VCF-style: chr1-207478070-C-T. GRCh37 (hg19) VCF-style: chr1-207651415-C-T.
Other names: c.2911C>T, p.Arg971Cys (NM_001877.5); short protein forms R1030C, R971C.
Identifiers: ClinVar variation 1357824 (VCV001357824.8), dbSNP rs1358947848, ClinGen allele CA344541865.